The following is an entry in ClinVar:

ClinVar aggregate classification (germline): Conflicting classifications of pathogenicity. Review status: criteria provided, conflicting classifications (1 of 4 stars). 3 submissions from 3 submitters: Uncertain significance (2); Likely benign (1). Last evaluated 2023-03-23.

Conditions:
Hereditary breast ovarian cancer syndrome. Also called: Hereditary breast and ovarian cancer syndrome; Breast and ovarian cancer; BRCA1- and BRCA2-Associated Hereditary Breast and Ovarian Cancer; Hereditary breast and ovarian cancer; Hereditary breast and/or ovarian cancer syndrome; Hereditary breast and ovarian cancer syndrome (HBOC). Identifiers: Orphanet 145, MedGen C0677776, MeSH D061325, MONDO:0003582. Disease mechanism: loss of function.
Hereditary cancer-predisposing syndrome. Also called: Hereditary neoplastic syndrome; Neoplastic Syndromes, Hereditary; Tumor predisposition; Hereditary Cancer Syndrome. Identifiers: Orphanet 140162, MedGen C0027672, MeSH D009386, MONDO:0015356.

gnomAD v4.1: 4 of 1,608,478 alleles (0.00025%); highest among the groups gnomAD compares: Non-Finnish European, 0.00034%; no homozygotes.

Submissions (3):

University of Washington Department of Laboratory Medicine, University of Washington
Classification: Likely benign for Hereditary cancer-predisposing syndrome. Last evaluated: 2023-03-23. Review status: criteria provided, single submitter. Criteria: Dines et al. (Genet Med. 2020). Collection method: curation. Allele origin: germline.
Comment: Missense variant in a coldspot region where missense variants are very unlikely to be pathogenic (PMID:31911673).

BRCA2 exon 11 coldspot. Reclassification based on statistical prior probability.

Ambry Genetics
Classification: Uncertain significance for Hereditary cancer-predisposing syndrome. Last evaluated: 2022-03-29. Review status: criteria provided, single submitter. Criteria: Ambry Variant Classification Scheme 2023. Collection method: clinical testing. Allele origin: germline.
Comment: The p.V1255I variant (also known as c.3763G>A), located in coding exon 10 of the BRCA2 gene, results from a G to A substitution at nucleotide position 3763. The valine at codon 1255 is replaced by isoleucine, an amino acid with highly similar properties. This amino acid position is conserved. In addition, this alteration is predicted to be tolerated by in silico analysis. Since supporting evidence is limited at this time, the clinical significance of this alteration remains unclear.

Labcorp Genetics (formerly Invitae), Labcorp
Classification: Uncertain significance for Hereditary breast ovarian cancer syndrome. Last evaluated: 2021-08-27. Review status: criteria provided, single submitter. Criteria: Invitae Variant Classification Sherloc (09022015). Collection method: clinical testing. Allele origin: germline.
Comment: This sequence change replaces valine with isoleucine at codon 1255 of the BRCA2 protein (p.Val1255Ile). The valine residue is weakly conserved and there is a small physicochemical difference between valine and isoleucine. This variant is not present in population databases (ExAC no frequency). This variant has not been reported in the literature in individuals with BRCA2-related conditions. Algorithms developed to predict the effect of missense changes on protein structure and function output the following: SIFT: "Tolerated"; PolyPhen-2: "Benign"; Align-GVGD: "Class C0". The isoleucine amino acid residue is found in multiple mammalian species, suggesting that this missense change does not adversely affect protein function. These predictions have not been confirmed by published functional studies and their clinical significance is uncertain. In summary, the available evidence is currently insufficient to determine the role of this variant in disease. Therefore, it has been classified as a Variant of Uncertain Significance.

NM_000059.4(BRCA2):c.3763G>A (p.Val1255Ile)

Gene: BRCA2 (BRCA2 DNA repair associated; plus strand). Cytogenetic location: 13q13.1.
Variant type: single nucleotide variant.
Coding change: c.3763G>A on transcript NM_000059.4 (MANE Select); coding-DNA position 3763, G replaced by A.
Protein change: p.Val1255Ile; replaces valine 1255 with isoleucine.
Molecular consequence: missense variant.
Genome position (GRCh38, 1-based): chr13:32,338,118, G>A. VCF-style: chr13-32338118-G-A. GRCh37 (hg19) VCF-style: chr13-32912255-G-A.
Other names: short protein forms V1255I.
Identifiers: ClinVar variation 834347 (VCV000834347.13), dbSNP rs80358617, ClinGen allele CA387778224.
Genomic context (GRCh38, chr13:32,338,118, plus strand): 5'-CAAAAAGCTGTGAAACTGTTTAGTGATATTGAGAATATTAGTGAGGAAACTTCTGCAGAG[G>A]TACATCCAATAAGTTTATCTTCAAGTAAATGTCATGATTCTGTTGTTTCAATGTTTAAGA-3'
Protein context (NP_000050.3, residues 1245-1265): ENISEETSAE[Val1255Ile]HPISLSSSKC